The following is an entry in ClinVar:

NM_005876.5(SPEG):c.4688C>T (p.Ala1563Val)

Gene: SPEG (striated muscle enriched protein kinase; plus strand). Cytogenetic location: 2q35.
Variant type: single nucleotide variant.
Coding change: c.4688C>T on transcript NM_005876.5 (MANE Select); coding-DNA position 4688, C replaced by T.
Protein change: p.Ala1563Val; replaces alanine 1563 with valine.
Molecular consequence: missense variant.
Genome position (GRCh38, 1-based): chr2:219,477,404, C>T. VCF-style: chr2-219477404-C-T. GRCh37 (hg19) VCF-style: chr2-220342126-C-T.
Other names: short protein forms A1563V.
Identifiers: ClinVar variation 723155 (VCV000723155.36), dbSNP rs150628707, ClinGen allele CA2126588.

ClinVar aggregate classification (germline): Benign/Likely benign. Review status: criteria provided, multiple submitters, no conflicts (2 of 4 stars). 5 submissions from 5 submitters: Benign (2); Likely benign (2). 1 of the submissions does not count toward it. Last evaluated 2026-01-19.

Conditions:
SPEG-related disorder. Also called: SPEG-related condition.

Allele frequency attached by ClinVar (database versions not stated): TOPMed 0.00066; ESP Exome Variant Server 0.00072; gnomAD 0.00072 and 0.00080; 1000 Genomes Project 30x 0.00078; 1000 Genomes Project 0.00080; gnomAD exomes 0.00136; ExAC 0.00238.

Submissions (7):

Labcorp Genetics (formerly Invitae), Labcorp
Classification: Benign. Last evaluated: 2026-01-19. Review status: criteria provided, single submitter. Criteria: Invitae Variant Classification Sherloc (09022015). Collection method: clinical testing. Allele origin: germline.

Blueprint Genetics
Classification: Likely benign. Last evaluated: 2024-11-26. Review status: criteria provided, single submitter. Criteria: ACMG Guidelines, 2015. Collection method: clinical testing. Allele origin: germline.

CeGaT Center for Human Genetics Tuebingen
Classification: Likely benign. Last evaluated: 2023-05-01. Review status: criteria provided, single submitter. Criteria: CeGaT Center For Human Genetics Tuebingen Variant Classification Criteria Version 2. Collection method: clinical testing. Allele origin: germline. Affected: yes. Observed: 2 variant alleles.
Comment: SPEG: PP3, BS2

Breakthrough Genomics
Classification: Benign. Review status: criteria provided, single submitter. Criteria: ACMG Guidelines, 2015. Collection method: not provided. Allele origin: germline. Inheritance: Autosomal recessive inheritance. Affected: yes.

PreventionGenetics, part of Exact Sciences
Classification: Likely benign for SPEG-related condition. Last evaluated: 2022-02-10. Review status: no assertion criteria provided. Collection method: clinical testing. Allele origin: germline. Not counted in ClinVar's aggregate classification.
Comment: This variant is classified as likely benign based on ACMG/AMP sequence variant interpretation guidelines (Richards et al. 2015 PMID: 25741868, with internal and published modifications).

Dr. Peter K. Rogan Lab, Western University
No classification provided (evidence only). Condition: Cervical cancer. Review status: no classification provided. Collection method: in vitro. Allele origin: not applicable. Functional consequence: retained intron. Not counted in ClinVar's aggregate classification.

Dr. Peter K. Rogan Lab, Western University
No classification provided (evidence only). Condition: Ovarian serous cystadenocarcinoma. Review status: no classification provided. Collection method: in vitro. Allele origin: not applicable. Functional consequence: retained intron. Not counted in ClinVar's aggregate classification.